The following is an entry in ClinVar:

NM_000554.6(CRX):c.447dup (p.Ser150fs)

Gene: CRX (cone-rod homeobox; plus strand). Cytogenetic location: 19q13.33.
Variant type: Duplication.
Coding change: c.447dup on transcript NM_000554.6 (MANE Select); coding-DNA position 447, one base duplicated (C; older notation c.447dupC).
Protein change: p.Ser150fs; shifts the reading frame from serine 150.
Molecular consequence: frameshift variant.
Genome position (GRCh38, 1-based): chr19:47,839,514, C duplicated; the last of 4 consecutive C bases (chr19:47,839,511-47,839,514); duplicating any one gives the same sequence. VCF-style (leftmost placement, unchanged base first): chr19-47839510-G-GC. GRCh37 (hg19) VCF-style: chr19-48342767-G-GC.
Other names: c.447dupC (NM_000554.5); c.447dup (NM_000554.4); short protein forms S150fs.
Identifiers: ClinVar variation 99607 (VCV000099607.12), dbSNP rs61748444, ClinGen allele CA227628.

ClinVar aggregate classification (germline): Pathogenic/Likely pathogenic. Review status: criteria provided, multiple submitters, no conflicts (2 of 4 stars). 4 submissions from 4 submitters: Pathogenic (2); Likely pathogenic (1). 1 of the submissions does not count toward it. Last evaluated 2025-11-11.

Conditions:
CRX-related disorders.
CRX-related disorder. Also called: CRX-related condition.
Leber congenital amaurosis 7 (LCA7). Identifiers: Orphanet 65, MedGen C3151192, MONDO:0013449, OMIM 613829.
Cone-rod dystrophy 2 (CORD2). Also called: CONE-ROD RETINAL DYSTROPHY; Cone-rod retinal dystrophy 2. Identifiers: Orphanet 1872, MedGen C3489532, MONDO:0007362, OMIM 120970.

Submissions (4):

PreventionGenetics, part of Exact Sciences
Classification: Likely pathogenic for CRX-related condition. Last evaluated: 2025-11-11. Review status: criteria provided, single submitter. Criteria: ACMG Guidelines, 2015. Collection method: clinical testing. Allele origin: germline.
Comment: The CRX c.447dupC variant is predicted to result in a frameshift and premature protein termination (p.Ser150Leufs*24). This variant has been reported in the heterozygous state in an individual with CRX-related cone-rod dystrophy (Lines et al. 2002. PubMed ID: 12359607). This variant has not been reported in a large population database (gnomAD), indicating this variant is rare. Frameshift variants in CRX are expected to be pathogenic. This variant is interpreted as likely pathogenic.

Labcorp Genetics (formerly Invitae), Labcorp
Classification: Pathogenic for Cone-rod dystrophy 2; Leber congenital amaurosis 7. Last evaluated: 2025-02-06. Review status: criteria provided, single submitter. Criteria: Invitae Variant Classification Sherloc (09022015). Collection method: clinical testing. Allele origin: germline.
Comment: This sequence change creates a premature translational stop signal (p.Ser150Leufs*24) in the CRX gene. While this is not anticipated to result in nonsense mediated decay, it is expected to disrupt the last 150 amino acid(s) of the CRX protein. This variant is not present in population databases (gnomAD no frequency). This premature translational stop signal has been observed in individual(s) with cone-rod dystrophy (PMID: 12359607). It has also been observed to segregate with disease in related individuals. ClinVar contains an entry for this variant (Variation ID: 99607). For these reasons, this variant has been classified as Pathogenic.

Blueprint Genetics
Classification: Pathogenic for CRX-related disorders. Last evaluated: 2024-06-10. Review status: criteria provided, single submitter. Criteria: ACMG Guidelines, 2015. Collection method: clinical testing. Allele origin: germline. Affected: yes. Observed: 5 variant alleles.

Retina International
No classification provided. Review status: no classification provided. Collection method: not provided. Allele origin: not provided. Not counted in ClinVar's aggregate classification.

Literature cited by the submitters: PubMed 12359607 (cited by Labcorp Genetics (formerly Invitae), Labcorp).